The following is an entry in ClinVar:

NM_001035.3(RYR2):c.1844G>T (p.Cys615Phe)

Gene: RYR2 (ryanodine receptor 2; plus strand). Cytogenetic location: 1q43.
Variant type: single nucleotide variant.
Coding change: c.1844G>T on transcript NM_001035.3 (MANE Select); coding-DNA position 1844, G replaced by T.
Protein change: p.Cys615Phe; replaces cysteine 615 with phenylalanine.
Molecular consequence: missense variant.
Genome position (GRCh38, 1-based): chr1:237,492,970, G>T. VCF-style: chr1-237492970-G-T. GRCh37 (hg19) VCF-style: chr1-237656270-G-T.
Other names: short protein forms C615F.
Identifiers: ClinVar variation 945913 (VCV000945913.16), dbSNP rs748190200, ClinGen allele CA345389245.

ClinVar aggregate classification (germline): Uncertain significance. Review status: criteria provided, multiple submitters, no conflicts (2 of 4 stars). 4 submissions from 4 submitters: Uncertain significance (4). Last evaluated 2025-08-25.

Conditions:
Cardiovascular phenotype. Identifiers: MedGen CN230736.
Cardiomyopathy (CMYO). Also called: Cardiomyopathies. Identifiers: Orphanet 167848, MedGen C0878544, MONDO:0004994, HP:0001638. Inheritance: Various modes of inheritance.
Catecholaminergic polymorphic ventricular tachycardia 1. Also called: VENTRICULAR TACHYCARDIA, CATECHOLAMINERGIC POLYMORPHIC, 1, WITH OR WITHOUT ATRIAL DYSFUNCTION AND/OR DILATED CARDIOMYOPATHY; VENTRICULAR TACHYCARDIA, STRESS-INDUCED POLYMORPHIC 1; RYR2-Related Catecholaminergic Polymorphic Ventricular Tachycardia. Identifiers: Orphanet 3286, MedGen C1631597, MONDO:0011484, OMIM 604772.
Catecholaminergic polymorphic ventricular tachycardia (CVPT). Also called: Catecholamine-induced polymorphic ventricular tachycardia. Identifiers: Orphanet 3286, MedGen C5574922, MONDO:0017990.

Allele frequency attached by ClinVar (database versions not stated): gnomAD exomes below 0.00001.
gnomAD v4.1: 7 of 1,595,676 alleles (0.00044%); highest among the groups gnomAD compares: African/African-American, 0.0013%; no homozygotes.

Submissions (4):

Labcorp Genetics (formerly Invitae), Labcorp
Classification: Uncertain significance for Catecholaminergic polymorphic ventricular tachycardia 1. Last evaluated: 2025-08-25. Review status: criteria provided, single submitter. Criteria: Invitae Variant Classification Sherloc (09022015). Collection method: clinical testing. Allele origin: germline.
Comment: This sequence change replaces cysteine, which is neutral and slightly polar, with phenylalanine, which is neutral and non-polar, at codon 615 of the RYR2 protein (p.Cys615Phe). This variant is not present in population databases (gnomAD no frequency). This variant has not been reported in the literature in individuals affected with RYR2-related conditions. ClinVar contains an entry for this variant (Variation ID: 945913). Invitae Evidence Modeling of protein sequence and biophysical properties (such as structural, functional, and spatial information, amino acid conservation, physicochemical variation, residue mobility, and thermodynamic stability) indicates that this missense variant is expected to disrupt RYR2 protein function with a positive predictive value of 95%. In summary, the available evidence is currently insufficient to determine the role of this variant in disease. Therefore, it has been classified as a Variant of Uncertain Significance.

Ambry Genetics
Classification: Uncertain significance for Cardiovascular phenotype. Last evaluated: 2025-01-10. Review status: criteria provided, single submitter. Criteria: Ambry Variant Classification Scheme 2023. Collection method: clinical testing. Allele origin: germline.
Comment: The p.C615F variant (also known as c.1844G>T), located in coding exon 19 of the RYR2 gene, results from a G to T substitution at nucleotide position 1844. The cysteine at codon 615 is replaced by phenylalanine, an amino acid with highly dissimilar properties. This amino acid position is highly conserved in available vertebrate species. In addition, this alteration is predicted to be deleterious by in silico analysis. Based on the available evidence, the clinical significance of this variant remains unclear.

Color Diagnostics, LLC DBA Color Health
Classification: Uncertain significance for Cardiomyopathy. Last evaluated: 2024-03-06. Review status: criteria provided, single submitter. Criteria: ACMG Guidelines, 2015. Collection method: clinical testing. Allele origin: germline.
Comment: This missense variant replaces cysteine with phenylalanine at codon 615 of the RYR2 protein. Computational prediction suggests that this variant may have deleterious impact on protein structure and function (internally defined REVEL score threshold >= 0.7, PMID: 27666373). To our knowledge, functional studies have not been reported for this variant. This variant has not been reported in individuals affected with RYR2-related disorders in the literature. This variant has not been identified in the general population by the Genome Aggregation Database (gnomAD). The available evidence is insufficient to determine the role of this variant in disease conclusively. Therefore, this variant is classified as a Variant of Uncertain Significance.

All of Us Research Program, National Institutes of Health
Classification: Uncertain significance for Catecholaminergic polymorphic ventricular tachycardia. Last evaluated: 2023-06-08. Review status: criteria provided, single submitter. Criteria: ACMG Guidelines, 2015. Collection method: clinical testing. Allele origin: germline. Inheritance: Autosomal dominant inheritance. Observed: 1 variant allele, 1 heterozygote.
Comment: This missense variant replaces cysteine with phenylalanine at codon 615 of the RYR2 protein. Computational prediction suggests that this variant may have deleterious impact on protein structure and function (internally defined REVEL score threshold >= 0.7, PMID: 27666373). To our knowledge, functional studies have not been reported for this variant. This variant has not been reported in individuals affected with cardiovascular disorders in the literature. This variant has not been identified in the general population by the Genome Aggregation Database (gnomAD). The available evidence is insufficient to determine the role of this variant in disease conclusively. Therefore, this variant is classified as a Variant of Uncertain Significance.

This study involves interpretation of variants in research participants for the purpose of population health screening. Participant phenotype was not available at the time of variant classification. Additional details can be found in publication PMID: 35346344, PMCID: PMC8962531